The following is an entry in ClinVar:

ClinVar aggregate classification (germline): Conflicting classifications of pathogenicity. Review status: criteria provided, conflicting classifications (1 of 4 stars). 4 submissions from 4 submitters: Likely pathogenic (1); Uncertain significance (3). Last evaluated 2026-08-14.

Conditions:
Birt-Hogg-Dube syndrome 1 (BHD1). Also called: FIBROFOLLICULOMAS WITH TRICHODISCOMAS AND ACROCHORDONS. Identifiers: Orphanet 122, MedGen CN375946, MONDO:0800445, OMIM 135150.
Birt-Hogg-Dube syndrome. Also called: Birt Hogg Dubé syndrome. Identifiers: Orphanet 122, MedGen C0346010, MONDO:0800444.

Submissions (4):

Clinical Genetics Laboratory, Skane University Hospital Lund
Classification: Likely pathogenic for Birt-Hogg-Dube syndrome 1. Last evaluated: 2026-08-14. Review status: criteria provided, single submitter. Criteria: ACMG Guidelines, 2015. Collection method: clinical testing. Allele origin: germline. Affected: no.
Comment: ACMG criteria used: PS4_Supporting, PM2, PP1, PP3 samt PP4_Strong.

Labcorp Genetics (formerly Invitae), Labcorp
Classification: Uncertain significance for Birt-Hogg-Dube syndrome. Last evaluated: 2023-03-21. Review status: criteria provided, single submitter. Criteria: Invitae Variant Classification Sherloc (09022015). Collection method: clinical testing. Allele origin: germline.
Comment: This sequence change replaces leucine, which is neutral and non-polar, with proline, which is neutral and non-polar, at codon 418 of the FLCN protein (p.Leu418Pro). This variant is not present in population databases (gnomAD no frequency). This variant has not been reported in the literature in individuals affected with FLCN-related conditions. ClinVar contains an entry for this variant (Variation ID: 253246). Advanced modeling of protein sequence and biophysical properties (such as structural, functional, and spatial information, amino acid conservation, physicochemical variation, residue mobility, and thermodynamic stability) performed at Invitae indicates that this missense variant is expected to disrupt FLCN protein function. In summary, the available evidence is currently insufficient to determine the role of this variant in disease. Therefore, it has been classified as a Variant of Uncertain Significance.

GeneDx
Classification: Uncertain significance. Last evaluated: 2017-05-15. Review status: criteria provided, single submitter. Criteria: GeneDx Variant Classification (06012015). Collection method: clinical testing. Allele origin: germline. Affected: yes.
Comment: The L418P variant in the FLCN gene has not been published as a pathogenic variant, nor has it been reported as a benign variant to our knowledge. This variant is not observed in large population cohorts (Lek et al., 2016; 1000 Genomes Consortium et al., 2015; Exome Variant Server). The L418P variant is a semi-conservative amino acid substitution, which may impact secondary protein structure as these residues differ in some properties. This substitution occurs at a position that is conserved across species, and in silico analysis predicts this variant is probably damaging to the protein structure/function. Based on the currently available information, it is unclear whether L418P is a pathogenic variant or a rare benign variant. We consider it to be a variant of uncertain significance.

Genomic Diagnostic Laboratory, Division of Genomic Diagnostics, Children's Hospital of Philadelphia
Classification: Uncertain significance for Birt-Hogg-Dube Syndrome. Last evaluated: 2016-07-18. Review status: criteria provided, single submitter. Criteria: DGD Variant Analysis Guidelines. Collection method: clinical testing. Allele origin: germline. Affected: yes. Observed: 1 variant allele.
Comment: Clinical Testing

NM_144997.7(FLCN):c.1253T>C (p.Leu418Pro)

Gene: FLCN (folliculin; minus strand). Cytogenetic location: 17p11.2.
Variant type: single nucleotide variant.
Coding change: c.1253T>C on transcript NM_144997.7 (MANE Select); coding-DNA position 1253, T replaced by C.
Protein change: p.Leu418Pro; replaces leucine 418 with proline.
Molecular consequence: missense variant.
Genome position (GRCh38, 1-based): chr17:17,216,427, A>G on the plus strand (T>C on the coding strand, the complement: FLCN is on the minus strand). VCF-style: chr17-17216427-A-G. GRCh37 (hg19) VCF-style: chr17-17119741-A-G.
Other names: c.1253T>C (LRG_325t1); c.1307T>C, p.Leu436Pro (NM_001353229.2); c.1253T>C, p.Leu418Pro (NM_001353230.2, NM_001353231.2); short protein forms L418P, L436P.
Identifiers: ClinVar variation 253246 (VCV000253246.9), dbSNP rs879255674, ClinGen allele CA10586257.
Genomic context (GRCh38, chr17:17,216,427, plus strand): 5'-CGGGGGCACGCACCTGAGGAGAGCACGTGGGGGGGGATCTGCACGTGCGGGCTGAGCCCC[A>G]GGAAGTTGCACCGATAGGCCTCCTCGTACTGGCTGCTGTATGGGATGATGCGGACGCAGC-3'
Protein context (NP_659434.2, residues 408-428): QYEEAYRCNF[Leu418Pro]GLSPHVQIPP